The following is an entry in ClinVar:

ClinVar aggregate classification (germline): Conflicting classifications of pathogenicity. Review status: criteria provided, conflicting classifications (1 of 4 stars). 4 submissions from 4 submitters: Uncertain significance (1); Benign (1); Likely benign (2). Last evaluated 2026-04-06.

Allele frequency attached by ClinVar (database versions not stated): ESP Exome Variant Server 0.00008; gnomAD exomes 0.00018 and 0.00101; gnomAD 0.00044 and 0.00045; 1000 Genomes Project 0.00060; 1000 Genomes Project 30x 0.00062; TOPMed 0.00063; ExAC 0.00088.
gnomAD v4.1: 373 of 1,612,102 alleles (0.023%); highest among the groups gnomAD compares: East Asian, 0.61%; no homozygotes.

Submissions (6):

Women's Health and Genetics/Laboratory Corporation of America, LabCorp
Classification: Likely benign. Last evaluated: 2026-04-06. Review status: criteria provided, single submitter. Criteria: LabCorp Variant Classification Summary - May 2015. Collection method: clinical testing. Allele origin: germline.

Labcorp Genetics (formerly Invitae), Labcorp
Classification: Benign. Last evaluated: 2026-02-01. Review status: criteria provided, single submitter. Criteria: Invitae Variant Classification Sherloc (09022015). Collection method: clinical testing. Allele origin: germline.

Mayo Clinic Laboratories, Mayo Clinic
Classification: Uncertain significance. Last evaluated: 2025-11-14. Review status: criteria provided, single submitter. Criteria: ACMG Guidelines, 2015. Collection method: clinical testing. Allele origin: germline. Observed: 1 variant allele.
Comment: BS1

Blueprint Genetics
Classification: Likely benign. Last evaluated: 2024-11-08. Review status: criteria provided, single submitter. Criteria: ACMG Guidelines, 2015. Collection method: clinical testing. Allele origin: germline.

Dr. Peter K. Rogan Lab, Western University
No classification provided (evidence only). Condition: Ovarian serous cystadenocarcinoma. Review status: no classification provided. Collection method: in vitro. Allele origin: not applicable. Functional consequence: retained intron. Not counted in ClinVar's aggregate classification.

Dr. Peter K. Rogan Lab, Western University
No classification provided (evidence only). Condition: Malignant tumor of esophagus. Review status: no classification provided. Collection method: in vitro. Allele origin: not applicable. Functional consequence: retained intron. Not counted in ClinVar's aggregate classification.

NM_001734.5(C1S):c.718-5T>G

Gene: C1S (complement C1s; plus strand). Cytogenetic location: 12p13.31.
Variant type: single nucleotide variant.
Coding change: c.718-5T>G on transcript NM_001734.5 (MANE Select); 5 bases into the intron before coding-DNA position 718, T replaced by G.
Molecular consequence: intron variant.
Genome position (GRCh38, 1-based): chr12:7,065,812, T>G. VCF-style: chr12-7065812-T-G. GRCh37 (hg19) VCF-style: chr12-7173116-T-G.
Other names: p.?; c.718-5T>G (NM_201442.4); c.217-5T>G (NM_001346850.2).
Identifiers: ClinVar variation 708406 (VCV000708406.15), dbSNP rs78523176, ClinGen allele CA6423567.
Genomic context (GRCh38, chr12:7,065,812, plus strand): 5'-CCACTTCCCAATTTTACCTCTTCCCTTTAGTTCTTTCCCTCTTCTGATTTCATCATTTTG[T>G]TCAGTTTGTTGCAGGAGATCGGCAATTTGGTCCTTACTGTGGTCATGGATTCCCTGGGCC-3'